The following is an entry in ClinVar:

NM_007294.4(BRCA1):c.5153-21T>A

Gene: BRCA1 (BRCA1 DNA repair associated; minus strand). Cytogenetic location: 17q21.31.
Variant type: single nucleotide variant.
Coding change: c.5153-21T>A on transcript NM_007294.4 (MANE Select); 21 bases into the intron before coding-DNA position 5153, T replaced by A.
Molecular consequence: intron variant.
Genome position (GRCh38, 1-based): chr17:43,063,394, A>T on the plus strand (T>A on the coding strand, the complement: BRCA1 is on the minus strand). VCF-style: chr17-43063394-A-T. GRCh37 (hg19) VCF-style: chr17-41215411-A-T.
Other names: c.4940-21T>A (NM_001407571.1, NM_001407907.1, NM_001407902.1 and 12 more transcripts); c.4817-21T>A (NM_001407950.1, NM_001407953.1, NM_001407955.1 and 3 more transcripts); c.4820-21T>A (NM_001407948.1, NM_001407947.1, NM_001407949.1 and 1 more transcripts); c.1631-21T>A (NM_001408484.1, NM_001408485.1, NM_001408483.1 and 5 more transcripts); c.1634-21T>A (NM_001408478.1, NM_001408480.1, NM_001408479.1); c.4943-21T>A (NM_001407879.1, NM_001407882.1, NM_001407885.1 and 5 more transcripts); c.1715-21T>A (NM_001408450.1, NM_001408447.1, NM_001408446.1 and 2 more transcripts); c.1718-21T>A (NM_001408434.1, NM_001408440.1, NM_001408433.1 and 10 more transcripts); and 72 more.
Identifiers: ClinVar variation 865046 (VCV000865046.3), dbSNP rs2051877492, ClinGen allele CA916080089.

Conditions:
Breast-ovarian cancer, familial, susceptibility to, 1 (BROVCA1). Also called: BRCA1 Hereditary Breast and Ovarian Cancer; OVARIAN CANCER, SUSCEPTIBILITY TO. Identifiers: Orphanet 145, MedGen C2676676, MONDO:0011450, OMIM 604370. Disease mechanism: loss of function.

Submission:

Brotman Baty Institute, University of Washington
No classification provided (evidence only). Condition: Breast-ovarian cancer, familial 1. Review status: no classification provided. Collection method: in vitro. Allele origin: not applicable. Functional consequence: functionally_normal.
ClinVar note: "not provided" was previously submitted as the classification for the variant. However, the classification appeared to be based only on an observation of functional data so it was converted to no classification on 2025-07-30.